The following is an entry in ClinVar:

NM_172364.5(CACNA2D4):c.1771C>G (p.Leu591Val)

Gene: CACNA2D4 (calcium voltage-gated channel auxiliary subunit alpha2delta 4; minus strand). Cytogenetic location: 12p13.33.
Variant type: single nucleotide variant.
Coding change: c.1771C>G on transcript NM_172364.5 (MANE Select); coding-DNA position 1771, C replaced by G.
Protein change: p.Leu591Val; replaces leucine 591 with valine.
Molecular consequence: missense variant.
Genome position (GRCh38, 1-based): chr12:1,875,286, G>C on the plus strand (C>G on the coding strand, the complement: CACNA2D4 is on the minus strand). VCF-style: chr12-1875286-G-C. GRCh37 (hg19) VCF-style: chr12-1984452-G-C.
Other names: short protein forms L591V.
Identifiers: ClinVar variation 1718085 (VCV001718085.5), dbSNP rs2497204306, ClinGen allele CA383351208.

ClinVar aggregate classification (germline): Uncertain significance (1 of 4 stars; one submission).

Submission:

Labcorp Genetics (formerly Invitae), Labcorp
Classification: Uncertain significance. Last evaluated: 2022-08-27. Review status: criteria provided, single submitter. Criteria: Invitae Variant Classification Sherloc (09022015). Collection method: clinical testing. Allele origin: germline.
Comment: In summary, the available evidence is currently insufficient to determine the role of this variant in disease. Therefore, it has been classified as a Variant of Uncertain Significance. Algorithms developed to predict the effect of missense changes on protein structure and function are either unavailable or do not agree on the potential impact of this missense change (SIFT: "Deleterious"; PolyPhen-2: "Possibly Damaging"; Align-GVGD: "Class C0"). This variant has not been reported in the literature in individuals affected with CACNA2D4-related conditions. This variant is not present in population databases (gnomAD no frequency). This sequence change replaces leucine, which is neutral and non-polar, with valine, which is neutral and non-polar, at codon 591 of the CACNA2D4 protein (p.Leu591Val).